The following is an entry in ClinVar:

ClinVar aggregate classification (germline): Uncertain significance (1 of 4 stars; one submission).

Conditions:
Autosomal recessive limb-girdle muscular dystrophy type 2F (LGMDR6). Also called: MUSCULAR DYSTROPHY, LIMB-GIRDLE, AUTOSOMAL RECESSIVE 6; Muscular dystrophy limb-girdle with delta-sarcoglyan deficiency. Identifiers: Orphanet 219, MedGen C1832525, MONDO:0011028, OMIM 601287. Disease mechanism: Affects gamma-sarcoglycan and also disrupts the integrity of the entire sarcoglycan complex..

Allele frequency attached by ClinVar (database versions not stated): gnomAD exomes below 0.00001.
gnomAD v4.1: 1 of 1,613,800 alleles (0.000062%); highest among the groups gnomAD compares: Non-Finnish European, 0.000085%; no homozygotes.

Submission:

Labcorp Genetics (formerly Invitae), Labcorp
Classification: Uncertain significance for Autosomal recessive limb-girdle muscular dystrophy type 2F. Last evaluated: 2022-01-26. Review status: criteria provided, single submitter. Criteria: Invitae Variant Classification Sherloc (09022015). Collection method: clinical testing. Allele origin: germline.
Comment: In summary, the available evidence is currently insufficient to determine the role of this variant in disease. Therefore, it has been classified as a Variant of Uncertain Significance. Algorithms developed to predict the effect of missense changes on protein structure and function (SIFT, PolyPhen-2, Align-GVGD) all suggest that this variant is likely to be tolerated. This variant has not been reported in the literature in individuals affected with SGCD-related conditions. This variant is not present in population databases (gnomAD no frequency). This sequence change replaces arginine, which is basic and polar, with serine, which is neutral and polar, at codon 245 of the SGCD protein (p.Arg245Ser).

NM_000337.6(SGCD):c.735A>T (p.Arg245Ser)

Gene: SGCD (sarcoglycan delta; plus strand). Cytogenetic location: 5q33.3.
Variant type: single nucleotide variant.
Coding change: c.735A>T on transcript NM_000337.6 (MANE Select); coding-DNA position 735, A replaced by T.
Protein change: p.Arg245Ser; replaces arginine 245 with serine.
Molecular consequence: missense variant.
Genome position (GRCh38, 1-based): chr5:156,759,252, A>T. VCF-style: chr5-156759252-A-T. GRCh37 (hg19) VCF-style: chr5-156186263-A-T.
Other names: c.732A>T, p.Arg244Ser (NM_001128209.2); short protein forms R244S, R245S.
Identifiers: ClinVar variation 1954173 (VCV001954173.3), dbSNP rs2480210452, ClinGen allele CA362009269.